The following is an entry in ClinVar:

NM_145068.4(TRPV3):c.*3076A>C

Genes: SPATA22 (spermatogenesis associated 22; minus strand), TRPV3 (transient receptor potential cation channel subfamily V member 3; minus strand). Cytogenetic location: 17p13.2.
Variant type: single nucleotide variant.
Coding change: c.*3076A>C on transcript NM_145068.4 (MANE Select); 3076 bases downstream of the stop codon, A replaced by C.
Molecular consequence: 3 prime UTR variant. On other transcripts: intron variant (2).
Genome position (GRCh38, 1-based): chr17:3,510,841, T>G on the plus strand (A>C on the coding strand, the complement: TRPV3 is on the minus strand). VCF-style: chr17-3510841-T-G. GRCh37 (hg19) VCF-style: chr17-3414135-T-G.
Other names: c.*3076A>C (NM_001258205.2); c.-74+2571A>C (NM_001321336.2, NM_001321337.2).
Identifiers: ClinVar variation 322681 (VCV000322681.8), dbSNP rs9913028, ClinGen allele CA10639378.

ClinVar aggregate classification (germline): Benign. Review status: criteria provided, multiple submitters, no conflicts (2 of 4 stars). 2 submissions from 2 submitters: Benign (2). Last evaluated 2018-01-13.

Conditions:
Isolated focal non-epidermolytic palmoplantar keratoderma. Also called: Palmoplantar keratoderma, nonepidermolytic, focal 2. Identifiers: Orphanet 448264, MedGen C4225339, MONDO:0014622, OMIM 616400.

Allele frequency attached by ClinVar (database versions not stated): gnomAD 0.21854 and 0.22625; gnomAD exomes 0.16667; 1000 Genomes Project 0.14058; 1000 Genomes Project 30x 0.14319; TOPMed 0.21758.
gnomAD v4.1: 33,436 of 152,174 alleles (22%); highest among the groups gnomAD compares: Non-Finnish European, 27%; 3,960 homozygotes.

Submissions (2):

Illumina Laboratory Services, Illumina
Classification: Benign for Isolated focal non-epidermolytic palmoplantar keratoderma. Last evaluated: 2018-01-13. Review status: criteria provided, single submitter. Criteria: ICSL Variant Classification Criteria 13 December 2019. Collection method: clinical testing. Allele origin: germline.
Comment: This variant was observed in the ICSL laboratory as part of a predisposition screen in an ostensibly healthy population. It had not been previously curated by ICSL or reported in the Human Gene Mutation Database (HGMD: prior to June 1st, 2018), and was therefore a candidate for classification through an automated scoring system. Utilizing variant allele frequency, disease prevalence and penetrance estimates, and inheritance mode, an automated score was calculated to assess if this variant is too frequent to cause the disease. Based on the score and internal cut-off values, a variant classified as benign is not then subjected to further curation. The score for this variant resulted in a classification of benign for this disease.

Breakthrough Genomics
Classification: Benign. Review status: criteria provided, single submitter. Criteria: ACMG Guidelines, 2015. Collection method: not provided. Allele origin: germline. Inheritance: Autosomal dominant inheritance. Affected: yes.